The following is an entry in ClinVar:

ClinVar aggregate classification (germline): Uncertain significance. Review status: criteria provided, multiple submitters, no conflicts (2 of 4 stars). 2 submissions from 2 submitters: Uncertain significance (2). Last evaluated 2024-11-26.

Conditions:
Cardiovascular phenotype. Identifiers: MedGen CN230736.
RASopathy. Also called: rasopathies; Noonan spectrum disorder. Identifiers: Orphanet 536391, MedGen C5555857, MONDO:0021060.

Allele frequency attached by ClinVar (database versions not stated): gnomAD exomes below 0.00001.
gnomAD v4.1: 3 of 1,614,162 alleles (0.00019%); no homozygotes.

Submissions (2):

Ambry Genetics
Classification: Uncertain significance for Cardiovascular phenotype. Last evaluated: 2024-11-26. Review status: criteria provided, single submitter. Criteria: Ambry Variant Classification Scheme 2023. Collection method: clinical testing. Allele origin: germline.
Comment: The p.P432A variant (also known as c.1294C>G), located in coding exon 11 of the PTPN11 gene, results from a C to G substitution at nucleotide position 1294. The proline at codon 432 is replaced by alanine, an amino acid with highly similar properties. This amino acid position is conserved. In addition, this alteration is predicted to be deleterious by in silico analysis. Based on the available evidence, the clinical significance of this variant remains unclear.

Labcorp Genetics (formerly Invitae), Labcorp
Classification: Uncertain significance for RASopathy. Last evaluated: 2023-04-28. Review status: criteria provided, single submitter. Criteria: Invitae Variant Classification Sherloc (09022015). Collection method: clinical testing. Allele origin: germline.
Comment: In summary, the available evidence is currently insufficient to determine the role of this variant in disease. Therefore, it has been classified as a Variant of Uncertain Significance. Advanced modeling of protein sequence and biophysical properties (such as structural, functional, and spatial information, amino acid conservation, physicochemical variation, residue mobility, and thermodynamic stability) performed at Invitae indicates that this missense variant is expected to disrupt PTPN11 protein function. This variant has not been reported in the literature in individuals affected with PTPN11-related conditions. This variant is not present in population databases (gnomAD no frequency). This sequence change replaces proline, which is neutral and non-polar, with alanine, which is neutral and non-polar, at codon 432 of the PTPN11 protein (p.Pro432Ala).

NM_002834.5(PTPN11):c.1294C>G (p.Pro432Ala)

Gene: PTPN11 (protein tyrosine phosphatase non-receptor type 11; plus strand). Cytogenetic location: 12q24.13.
Variant type: single nucleotide variant.
Coding change: c.1294C>G on transcript NM_002834.5 (MANE Select); coding-DNA position 1294, C replaced by G.
Protein change: p.Pro432Ala; replaces proline 432 with alanine.
Molecular consequence: missense variant.
Genome position (GRCh38, 1-based): chr12:112,486,544, C>G. VCF-style: chr12-112486544-C-G. GRCh37 (hg19) VCF-style: chr12-112924348-C-G.
Other names: c.1306C>G, p.Pro436Ala (NM_001330437.2); c.1291C>G, p.Pro431Ala (NM_001374625.1); c.1294C>G, p.Pro432Ala (NM_080601.3); short protein forms P432A, P431A, P436A.
Identifiers: ClinVar variation 2828652 (VCV002828652.4), dbSNP rs2135912550, ClinGen allele CA386777300.